The following is an entry in ClinVar:

NM_024408.4(NOTCH2):c.1063G>A (p.Asp355Asn)

Gene: NOTCH2 (notch receptor 2; minus strand). Cytogenetic location: 1p12.
Variant type: single nucleotide variant.
Coding change: c.1063G>A on transcript NM_024408.4 (MANE Select); coding-DNA position 1063, G replaced by A.
Protein change: p.Asp355Asn; replaces aspartic acid 355 with asparagine.
Molecular consequence: missense variant.
Genome position (GRCh38, 1-based): chr1:119,969,556, C>T on the plus strand (G>A on the coding strand, the complement: NOTCH2 is on the minus strand). VCF-style: chr1-119969556-C-T. GRCh37 (hg19) VCF-style: chr1-120512179-C-T.
Other names: c.1063G>A, p.Asp355Asn (NM_001200001.2); short protein forms D355N.
Identifiers: ClinVar variation 3355967 (VCV003355967.3).
Genomic context (GRCh38, chr1:119,969,556, plus strand): 5'-CCTTCTGCTACCTACCTGCCTTCCCCTCTGGGCACATGCAAGAGAAGGAGGCCACACGGT[C>T]GATGCAGGTGGAGCCTGGAGTACAGGAGGCGAAGGCACAATCATCAATGTTCTCACTGCA-3'
Protein context (NP_077719.2, residues 345-365): ASCTPGSTCI[Asp355Asn]RVASFSCMCP

ClinVar aggregate classification (germline): Uncertain significance. Review status: criteria provided, single submitter (1 of 4 stars). 2 submissions from 2 submitters: Uncertain significance (1). 1 of the submissions does not count toward it. Last evaluated 2024-08-31.

Conditions:
NOTCH2-related disorder. Also called: NOTCH2-related condition.
Hajdu-Cheney syndrome (HJCYS). Also called: Acroosteolysis dominant type; SERPENTINE FIBULA-POLYCYSTIC KIDNEY SYNDROME; ACROOSTEOLYSIS WITH OSTEOPOROSIS AND CHANGES IN SKULL AND MANDIBLE. Identifiers: Orphanet 955, MedGen C0917715, MONDO:0007057, OMIM 102500.

Submissions (2):

Labcorp Genetics (formerly Invitae), Labcorp
Classification: Uncertain significance for Hajdu-Cheney syndrome. Last evaluated: 2024-08-31. Review status: criteria provided, single submitter. Criteria: Invitae Variant Classification Sherloc (09022015). Collection method: clinical testing. Allele origin: germline.
Comment: This sequence change replaces aspartic acid, which is acidic and polar, with asparagine, which is neutral and polar, at codon 355 of the NOTCH2 protein (p.Asp355Asn). This variant is not present in population databases (gnomAD no frequency). This missense change has been observed in individual(s) with renal hypoplasia (PMID: 28566479). Invitae Evidence Modeling of protein sequence and biophysical properties (such as structural, functional, and spatial information, amino acid conservation, physicochemical variation, residue mobility, and thermodynamic stability) indicates that this missense variant is not expected to disrupt NOTCH2 protein function with a negative predictive value of 95%. In summary, the available evidence is currently insufficient to determine the role of this variant in disease. Therefore, it has been classified as a Variant of Uncertain Significance.

PreventionGenetics, part of Exact Sciences
Classification: Uncertain significance for NOTCH2-related condition. Last evaluated: 2024-03-20. Review status: no assertion criteria provided. Collection method: clinical testing. Allele origin: germline. Not counted in ClinVar's aggregate classification.
Comment: The NOTCH2 c.1063G>A variant is predicted to result in the amino acid substitution p.Asp355Asn. This variant has been reported in one individual with renal hypoplasia and has been predicted to be damaging in three out of five pathogenicity prediction programs (Heidet et. al. 2017. PubMed ID: 28566479). To our knowledge, this variant has not been reported in gnomAD, indicating this variant is rare. At this time, the clinical significance of this variant is uncertain due to the absence of conclusive functional and genetic evidence.

Literature cited by the submitters: PubMed 28566479 (cited by Labcorp Genetics (formerly Invitae), Labcorp).